The following is an entry in ClinVar:

NM_013247.5(HTRA2):c.10C>T (p.Pro4Ser)

Gene: HTRA2 (HtrA serine peptidase 2; plus strand). Cytogenetic location: 2p13.1.
Variant type: single nucleotide variant.
Coding change: c.10C>T on transcript NM_013247.5 (MANE Select); coding-DNA position 10, C replaced by T.
Protein change: p.Pro4Ser; replaces proline 4 with serine.
Molecular consequence: missense variant. On other transcripts: non-coding transcript variant (1).
Genome position (GRCh38, 1-based): chr2:74,530,016, C>T. VCF-style: chr2-74530016-C-T. GRCh37 (hg19) VCF-style: chr2-74757143-C-T.
Other names: c.10C>T, p.Pro4Ser (NM_001321727.1, NM_001321728.1, NM_145074.2); c.10C>T (NM_013247.4); short protein forms P4S.
Identifiers: ClinVar variation 1476988 (VCV001476988.4), dbSNP rs753568807, ClinGen allele CA1728270.

ClinVar aggregate classification (germline): Uncertain significance. Review status: criteria provided, multiple submitters, no conflicts (2 of 4 stars). 2 submissions from 2 submitters: Uncertain significance (2). Last evaluated 2025-09-28.

Conditions:
Inborn genetic diseases. Identifiers: MedGen C0950123, MeSH D030342.

Allele frequency attached by ClinVar (database versions not stated): gnomAD exomes 0.00001; gnomAD 0.00002; ExAC 0.00001; TOPMed 0.00002.

Submissions (2):

Ambry Genetics
Classification: Uncertain significance for Inborn genetic diseases. Last evaluated: 2025-09-28. Review status: criteria provided, single submitter. Criteria: Ambry Variant Classification Scheme 2023. Collection method: clinical testing. Allele origin: germline.

Labcorp Genetics (formerly Invitae), Labcorp
Classification: Uncertain significance. Last evaluated: 2021-09-19. Review status: criteria provided, single submitter. Criteria: Invitae Variant Classification Sherloc (09022015). Collection method: clinical testing. Allele origin: germline.
Comment: This sequence change replaces proline with serine at codon 4 of the HTRA2 protein (p.Pro4Ser). The proline residue is weakly conserved and there is a moderate physicochemical difference between proline and serine. This variant is present in population databases (rs753568807, ExAC 0.01%). This variant has not been reported in the literature in individuals affected with HTRA2-related conditions. Algorithms developed to predict the effect of missense changes on protein structure and function are either unavailable or do not agree on the potential impact of this missense change (SIFT: "Deleterious"; PolyPhen-2: "Benign"; Align-GVGD: "Class C0"). In summary, the available evidence is currently insufficient to determine the role of this variant in disease. Therefore, it has been classified as a Variant of Uncertain Significance.